The following is an entry in ClinVar:

ClinVar aggregate classification (germline): Uncertain significance (1 of 4 stars; one submission).

Conditions:
Progressive myoclonic epilepsy type 3. Also called: EPILEPSY, PROGRESSIVE MYOCLONIC, 3, WITH OR WITHOUT INTRACELLULAR INCLUSIONS; CEROID LIPOFUSCINOSIS, NEURONAL, 14; EPILEPSY, PROGRESSIVE MYOCLONIC, 3, WITHOUT INTRACELLULAR INCLUSIONS; KCTD7-Related Progressive Myoclonic Epilepsy. Identifiers: Orphanet 263516, MedGen C2673257, MONDO:0012721, OMIM 611726.

Allele frequency attached by ClinVar (database versions not stated): TOPMed below 0.00001.

Submission:

Labcorp Genetics (formerly Invitae), Labcorp
Classification: Uncertain significance for Progressive myoclonic epilepsy type 3. Last evaluated: 2020-03-25. Review status: criteria provided, single submitter. Criteria: Invitae Variant Classification Sherloc (09022015). Collection method: clinical testing. Allele origin: germline.
Comment: In summary, the available evidence is currently insufficient to determine the role of this variant in disease. Therefore, it has been classified as a Variant of Uncertain Significance. Algorithms developed to predict the effect of missense changes on protein structure and function (SIFT, PolyPhen-2, Align-GVGD) all suggest that this variant is likely to be disruptive, but these predictions have not been confirmed by published functional studies and their clinical significance is uncertain. This variant has not been reported in the literature in individuals with KCTD7-related conditions. This variant is not present in population databases (ExAC no frequency). This sequence change replaces arginine with leucine at codon 99 of the KCTD7 protein (p.Arg99Leu). The arginine residue is highly conserved and there is a moderate physicochemical difference between arginine and leucine.

NM_153033.5(KCTD7):c.296G>T (p.Arg99Leu)

Gene: KCTD7 (potassium channel tetramerization domain containing 7; plus strand). Cytogenetic location: 7q11.21.
Variant type: single nucleotide variant.
Coding change: c.296G>T on transcript NM_153033.5 (MANE Select); coding-DNA position 296, G replaced by T.
Protein change: p.Arg99Leu; replaces arginine 99 with leucine.
Molecular consequence: missense variant.
Genome position (GRCh38, 1-based): chr7:66,633,426, G>T. VCF-style: chr7-66633426-G-T. GRCh37 (hg19) VCF-style: chr7-66098413-G-T.
Other names: c.296G>T, p.Arg99Leu (NM_001167961.2); short protein forms R99L.
Identifiers: ClinVar variation 1061524 (VCV001061524.9), dbSNP rs1275877072, ClinGen allele CA367695745.